The following is an entry in ClinVar:

NM_000489.6(ATRX):c.551A>T (p.Asp184Val)

Gene: ATRX (ATRX chromatin remodeler; minus strand). Cytogenetic location: Xq21.1.
Variant type: single nucleotide variant.
Coding change: c.551A>T on transcript NM_000489.6 (MANE Select); coding-DNA position 551, A replaced by T.
Protein change: p.Asp184Val; replaces aspartic acid 184 with valine.
Molecular consequence: missense variant.
Genome position (GRCh38, 1-based): chrX:77,688,861, T>A on the plus strand (A>T on the coding strand, the complement: ATRX is on the minus strand). VCF-style: chrX-77688861-T-A. GRCh37 (hg19) VCF-style: chrX-76944354-T-A.
Other names: c.437A>T, p.Asp146Val (NM_138270.5); short protein forms D146V, D184V.
Identifiers: ClinVar variation 2757912 (VCV002757912.3), dbSNP rs2148656655, ClinGen allele CA413722534.
Genomic context (GRCh38, chrX:77,688,861, plus strand): 5'-AACAGATCATTACATACCTTACAAATAAGAACTTGCAATGAAGGGTGTCTATAAATGGAA[T>A]CTTTTTGAAAATGATTGACCTGTTGTCCACAAGCAGTGCAGCTCACAATCCCATGAAGCC-3'
Protein context (NP_000480.3, residues 174-194): CGQQVNHFQK[Asp184Val]SIYRHPSLQV

ClinVar aggregate classification (germline): Uncertain significance (1 of 4 stars; one submission).

Conditions:
Alpha thalassemia-X-linked intellectual disability syndrome (ATRX). Also called: ALPHA-THALASSEMIA/MENTAL RETARDATION SYNDROME, X-LINKED; ATR, NONDELETION TYPE; ATR-X syndrome; Alpha thalassemia mental retardation syndrome, nondeletion type, X-linked; XLMR hypotonic face syndrome; X-linked alpha-thalassemia-mental retardation syndrome. Identifiers: Orphanet 847, MedGen C1845055, MONDO:0010519, OMIM 301040.

Submission:

Labcorp Genetics (formerly Invitae), Labcorp
Classification: Uncertain significance for Alpha thalassemia-X-linked intellectual disability syndrome. Last evaluated: 2025-03-17. Review status: criteria provided, single submitter. Criteria: Invitae Variant Classification Sherloc (09022015). Collection method: clinical testing. Allele origin: germline.
Comment: This sequence change replaces aspartic acid, which is acidic and polar, with valine, which is neutral and non-polar, at codon 184 of the ATRX protein (p.Asp184Val). This variant is not present in population databases (gnomAD no frequency). This variant has not been reported in the literature in individuals affected with ATRX-related conditions. ClinVar contains an entry for this variant (Variation ID: 2757912). Invitae Evidence Modeling of protein sequence and biophysical properties (such as structural, functional, and spatial information, amino acid conservation, physicochemical variation, residue mobility, and thermodynamic stability) has been performed for this missense variant. However, the output from this modeling did not meet the statistical confidence thresholds required to predict the impact of this variant on ATRX protein function. In summary, the available evidence is currently insufficient to determine the role of this variant in disease. Therefore, it has been classified as a Variant of Uncertain Significance.